The following is an entry in ClinVar:

ClinVar aggregate classification (germline): Uncertain significance (1 of 4 stars; one submission).

Submission:

Labcorp Genetics (formerly Invitae), Labcorp
Classification: Uncertain significance. Last evaluated: 2025-06-04. Review status: criteria provided, single submitter. Criteria: Invitae Variant Classification Sherloc (09022015). Collection method: clinical testing. Allele origin: germline.
Comment: This sequence change replaces glutamic acid, which is acidic and polar, with glycine, which is neutral and non-polar, at codon 1038 of the SON protein (p.Glu1038Gly). This variant is not present in population databases (gnomAD no frequency). This variant has not been reported in the literature in individuals affected with SON-related conditions. An algorithm developed to predict the effect of missense changes on protein structure and function (PolyPhen-2) suggests that this variant is likely to be disruptive. In summary, the available evidence is currently insufficient to determine the role of this variant in disease. Therefore, it has been classified as a Variant of Uncertain Significance.

NM_138927.4(SON):c.3113A>G (p.Glu1038Gly)

Gene: SON (SON DNA and RNA binding protein; plus strand). Cytogenetic location: 21q22.11.
Variant type: single nucleotide variant.
Coding change: c.3113A>G on transcript NM_138927.4 (MANE Select); coding-DNA position 3113, A replaced by G.
Protein change: p.Glu1038Gly; replaces glutamic acid 1038 with glycine.
Molecular consequence: missense variant. On other transcripts: non-coding transcript variant (1), intron variant (1).
Genome position (GRCh38, 1-based): chr21:33,552,344, A>G. VCF-style: chr21-33552344-A-G. GRCh37 (hg19) VCF-style: chr21-34924650-A-G.
Other names: c.3113A>G, p.Glu1038Gly (NM_001291411.2, NM_032195.3); c.245-4812A>G (NM_001291412.3); short protein forms E1038G.
Identifiers: ClinVar variation 4690735 (VCV004690735.1).